The following is an entry in ClinVar:

ClinVar aggregate classification (germline): Likely pathogenic. Review status: criteria provided, multiple submitters, no conflicts (2 of 4 stars). 2 submissions from 2 submitters: Likely pathogenic (2). Last evaluated 2023-10-25.

Conditions:
Hereditary cancer-predisposing syndrome. Also called: Neoplastic Syndromes, Hereditary; Tumor predisposition; Hereditary Cancer Syndrome; Hereditary neoplastic syndrome. Identifiers: Orphanet 140162, MedGen C0027672, MeSH D009386, MONDO:0015356.
SDHC-related disorder. Also called: SDHC-related condition.

Submissions (2):

Blueprint Genetics
Classification: Likely pathogenic for SDHC-related disorders. Last evaluated: 2023-10-25. Review status: criteria provided, single submitter. Criteria: ACMG Guidelines, 2015. Collection method: clinical testing. Allele origin: germline. Affected: yes. Observed: 1 variant allele.

Ambry Genetics
Classification: Likely pathogenic for Hereditary cancer-predisposing syndrome. Last evaluated: 2018-08-16. Review status: criteria provided, single submitter. Criteria: Ambry Variant Classification Scheme 2023. Collection method: clinical testing. Allele origin: germline.
Comment: The c.241+1G>A intronic variant results from a G to A substitution one nucleotide after coding exon 4 of the SDHC gene. This nucleotide position is highly conserved in available vertebrate species. Using the BDGP and ESEfinder splice site prediction tools, this alteration is predicted to abolish the native splice donor site; however, direct evidence is unavailable. Alterations that disrupt the canonical splice site are expected to cause aberrant splicing, resulting in an abnormal protein or a transcript that is subject to nonsense-mediated mRNA decay. As such, this alteration is classified as likely pathogenic.

NM_003001.5(SDHC):c.241+1G>A

Gene: SDHC (succinate dehydrogenase complex subunit C; plus strand). Cytogenetic location: 1q23.3.
Variant type: single nucleotide variant.
Coding change: c.241+1G>A on transcript NM_003001.5 (MANE Select); the canonical splice donor site of the intron after coding-DNA position 241, G replaced by A.
Molecular consequence: splice donor variant. On other transcripts: intron variant (2).
Genome position (GRCh38, 1-based): chr1:161,340,656, G>A. VCF-style: chr1-161340656-G-A. GRCh37 (hg19) VCF-style: chr1-161310446-G-A.
Other names: c.130+1G>A (NM_001407119.1, NM_001407120.1); c.361+1G>A (NM_001407115.1); c.241+1G>A (NM_001035511.3); c.139+1G>A (NM_001035512.3, NM_001278172.3); c.133+7G>A (NM_001407118.1); c.184+1G>A (NM_001407116.1, NM_001407121.1); c.178+7G>A (NM_001407117.1); c.82+1G>A (NM_001035513.3).
Identifiers: ClinVar variation 821235 (VCV000821235.6), dbSNP rs748440817, ClinGen allele CA343366157.